The following is an entry in ClinVar:

ClinVar aggregate classification (germline): Likely pathogenic (1 of 4 stars; one submission).

gnomAD v4.1: 1 of 1,200,679 alleles (0.000083%); highest among the groups gnomAD compares: Non-Finnish European, 0.00011%; no homozygotes.

Submission:

GeneDx
Classification: Likely pathogenic. Last evaluated: 2025-06-06. Review status: criteria provided, single submitter. Criteria: GeneDx Variant Classification Process June 2021. Collection method: clinical testing. Allele origin: germline. Affected: yes.
Comment: Reported in a patient with Alport syndrome in published literature; case-level information limited (PMID: 15954103); Canonical splice site variant predicted to result in in-frame deletion within a critical region. Variant damages or destroys the canonical splice acceptor site in intron 16, and is expected to cause abnormal gene splicing; if the splice outcome is exon skip, the loss of the encoded residues in the triple helical region is expected to disrupt normal protein folding and function; Not observed at significant frequency in large population cohorts (gnomAD); This variant is associated with the following publications: (PMID: 25525159, 15954103)

NM_033380.3(COL4A5):c.937-1G>A

Gene: COL4A5 (collagen type IV alpha 5 chain; plus strand). Cytogenetic location: Xq22.3.
Variant type: single nucleotide variant.
Coding change: c.937-1G>A on transcript NM_033380.3 (MANE Select); the canonical splice acceptor site of the intron before coding-DNA position 937, G replaced by A.
Molecular consequence: splice acceptor variant.
Genome position (GRCh38, 1-based): chrX:108,582,883, G>A. VCF-style: chrX-108582883-G-A. GRCh37 (hg19) VCF-style: chrX-107826113-G-A.
Other names: c.937-1G>A (NM_000495.5).
Identifiers: ClinVar variation 4536381 (VCV004536381.1), dbSNP rs104886448.